The following is an entry in ClinVar:

ClinVar aggregate classification (germline): Uncertain significance. Review status: criteria provided, multiple submitters, no conflicts (2 of 4 stars). 2 submissions from 2 submitters: Uncertain significance (2). Last evaluated 2023-12-07.

Allele frequency attached by ClinVar (database versions not stated): TOPMed below 0.00001.
gnomAD v4.1: 15 of 1,613,566 alleles (0.00093%); highest among the groups gnomAD compares: East Asian, 0.0022%; no homozygotes.

Submissions (2):

Labcorp Genetics (formerly Invitae), Labcorp
Classification: Uncertain significance. Last evaluated: 2023-12-07. Review status: criteria provided, single submitter. Criteria: Invitae Variant Classification Sherloc (09022015). Collection method: clinical testing. Allele origin: germline.
Comment: This sequence change replaces arginine, which is basic and polar, with cysteine, which is neutral and slightly polar, at codon 463 of the LAMC3 protein (p.Arg463Cys). This variant is present in population databases (rs139333395, gnomAD 0.006%). This variant has not been reported in the literature in individuals affected with LAMC3-related conditions. ClinVar contains an entry for this variant (Variation ID: 1303714). An algorithm developed to predict the effect of missense changes on protein structure and function (PolyPhen-2) suggests that this variant is likely to be disruptive. In summary, the available evidence is currently insufficient to determine the role of this variant in disease. Therefore, it has been classified as a Variant of Uncertain Significance.

GeneDx
Classification: Uncertain significance. Last evaluated: 2019-04-04. Review status: criteria provided, single submitter. Criteria: GeneDx Variant Classification Process June 2021. Collection method: clinical testing. Allele origin: germline. Affected: yes.
Comment: Not observed at a significant frequency in large population cohorts (Lek et al., 2016); In silico analysis, which includes protein predictors and evolutionary conservation, supports a deleterious effect; Has not been previously published as pathogenic or benign to our knowledge

NM_006059.4(LAMC3):c.1387C>T (p.Arg463Cys)

Gene: LAMC3 (laminin subunit gamma 3; plus strand). Cytogenetic location: 9q34.12.
Variant type: single nucleotide variant.
Coding change: c.1387C>T on transcript NM_006059.4 (MANE Select); coding-DNA position 1387, C replaced by T.
Protein change: p.Arg463Cys; replaces arginine 463 with cysteine.
Molecular consequence: missense variant.
Genome position (GRCh38, 1-based): chr9:131,045,528, C>T. VCF-style: chr9-131045528-C-T. GRCh37 (hg19) VCF-style: chr9-133920915-C-T.
Other names: short protein forms R463C.
Identifiers: ClinVar variation 1303714 (VCV001303714.7), dbSNP rs139333395, ClinGen allele CA5287074.